The following is an entry in ClinVar:

NM_001017922.2(ERMAP):c.217C>T (p.Arg73Cys)

Gene: ERMAP (erythroblast membrane associated protein (Scianna blood group); plus strand). Cytogenetic location: 1p34.2.
Variant type: single nucleotide variant.
Coding change: c.217C>T on transcript NM_001017922.2 (MANE Select); coding-DNA position 217, C replaced by T.
Protein change: p.Arg73Cys; replaces arginine 73 with cysteine.
Molecular consequence: missense variant.
Genome position (GRCh38, 1-based): chr1:42,830,899, C>T. VCF-style: chr1-42830899-C-T. GRCh37 (hg19) VCF-style: chr1-43296570-C-T.
Other names: c.217C>T, p.Arg73Cys (NM_018538.4); short protein forms R73C.
Identifiers: ClinVar variation 3058643 (VCV003058643.2), dbSNP rs149787850, ClinGen allele CA802708.

ClinVar aggregate classification (germline): Benign (0 of 4 stars; one submission).

Conditions:
ERMAP-related disorder. Also called: ERMAP-related condition.

Allele frequency attached by ClinVar (database versions not stated): ExAC 0.00098; 1000 Genomes Project 0.00280; 1000 Genomes Project 30x 0.00312; ESP Exome Variant Server 0.00315.

Submission:

PreventionGenetics, part of Exact Sciences
Classification: Benign for ERMAP-related condition. Last evaluated: 2021-02-01. Review status: no assertion criteria provided. Collection method: clinical testing. Allele origin: germline.
Comment: This variant is classified as benign based on ACMG/AMP sequence variant interpretation guidelines (Richards et al. 2015 PMID: 25741868, with internal and published modifications).